The following is an entry in ClinVar:

ClinVar aggregate classification (germline): Uncertain significance. Review status: criteria provided, multiple submitters, no conflicts (2 of 4 stars). 2 submissions from 2 submitters: Uncertain significance (2). Last evaluated 2023-10-20.

Conditions:
Inborn genetic diseases. Identifiers: MedGen C0950123, MeSH D030342.

Allele frequency attached by ClinVar (database versions not stated): gnomAD 0.00001; TOPMed 0.00001; ESP Exome Variant Server 0.00008.
gnomAD v4.1: 30 of 1,613,908 alleles (0.0019%); highest among the groups gnomAD compares: Non-Finnish European, 0.0024%; no homozygotes.

Submissions (2):

Ambry Genetics
Classification: Uncertain significance for Inborn genetic diseases. Last evaluated: 2023-10-20. Review status: criteria provided, single submitter. Criteria: Ambry Variant Classification Scheme 2023. Collection method: clinical testing. Allele origin: germline.

Labcorp Genetics (formerly Invitae), Labcorp
Classification: Uncertain significance. Last evaluated: 2022-07-26. Review status: criteria provided, single submitter. Criteria: Invitae Variant Classification Sherloc (09022015). Collection method: clinical testing. Allele origin: germline.
Comment: This sequence change replaces tryptophan, which is neutral and slightly polar, with cysteine, which is neutral and slightly polar, at codon 1437 of the NBAS protein (p.Trp1437Cys). This variant is present in population databases (rs368116711, gnomAD 0.0009%). This variant has not been reported in the literature in individuals affected with NBAS-related conditions. Algorithms developed to predict the effect of missense changes on protein structure and function (SIFT, PolyPhen-2, Align-GVGD) all suggest that this variant is likely to be disruptive. In summary, the available evidence is currently insufficient to determine the role of this variant in disease. Therefore, it has been classified as a Variant of Uncertain Significance.

NM_015909.4(NBAS):c.4311G>C (p.Trp1437Cys)

Gene: NBAS (NBAS subunit of NRZ tethering complex; minus strand). Cytogenetic location: 2p24.3.
Variant type: single nucleotide variant.
Coding change: c.4311G>C on transcript NM_015909.4 (MANE Select); coding-DNA position 4311, G replaced by C.
Protein change: p.Trp1437Cys; replaces tryptophan 1437 with cysteine.
Molecular consequence: missense variant. On other transcripts: non-coding transcript variant (1).
Genome position (GRCh38, 1-based): chr2:15,330,634, C>G on the plus strand (G>C on the coding strand, the complement: NBAS is on the minus strand). VCF-style: chr2-15330634-C-G. GRCh37 (hg19) VCF-style: chr2-15470758-C-G.
Other names: c.4311G>C (NM_015909.2); short protein forms W1437C.
Identifiers: ClinVar variation 2080933 (VCV002080933.2), dbSNP rs368116711, ClinGen allele CA1535707.